The following is an entry in ClinVar:

ClinVar aggregate classification (germline): Likely benign (1 of 4 stars; one submission).

Allele frequency attached by ClinVar (database versions not stated): gnomAD 0.01602; 1000 Genomes Project 0.01837; TOPMed 0.01858; 1000 Genomes Project 30x 0.01889.
gnomAD v4.1: 2,409 of 152,316 alleles (1.6%); highest among the groups gnomAD compares: African/African-American, 5.6%; 73 homozygotes.

Submission:

GeneDx
Classification: Likely benign. Last evaluated: 2019-04-09. Review status: criteria provided, single submitter. Criteria: GeneDx Variant Classification Process June 2021. Collection method: clinical testing. Allele origin: germline. Affected: yes.
Comment: See Variant Classification Assertion Criteria.

NM_001080477.4(TENM3):c.3235+222T>C

Gene: TENM3 (teneurin transmembrane protein 3; plus strand). Cytogenetic location: 4q35.1.
Variant type: single nucleotide variant.
Coding change: c.3235+222T>C on transcript NM_001080477.4 (MANE Select); 222 bases into the intron after coding-DNA position 3235, T replaced by C.
Molecular consequence: intron variant.
Genome position (GRCh38, 1-based): chr4:182,737,297, T>C. VCF-style: chr4-182737297-T-C. GRCh37 (hg19) VCF-style: chr4-183658450-T-C.
Identifiers: ClinVar variation 1707114 (VCV001707114.2), dbSNP rs76887371, ClinGen allele CA111766657.